The following is an entry in ClinVar:

ClinVar aggregate classification (germline): Uncertain significance (1 of 4 stars; one submission).

Conditions:
Primary ciliary dyskinesia. Also called: Ciliary dyskinesia. Identifiers: Orphanet 244, MedGen C0008780, MONDO:0016575, HP:0012265.

Submission:

Labcorp Genetics (formerly Invitae), Labcorp
Classification: Uncertain significance for Primary ciliary dyskinesia. Last evaluated: 2021-09-10. Review status: criteria provided, single submitter. Criteria: Invitae Variant Classification Sherloc (09022015). Collection method: clinical testing. Allele origin: germline.
Comment: This sequence change replaces alanine with valine at codon 330 of the CCDC114 protein (p.Ala330Val). The alanine residue is moderately conserved and there is a small physicochemical difference between alanine and valine. This variant is not present in population databases (ExAC no frequency). This variant has not been reported in the literature in individuals affected with CCDC114-related conditions. Algorithms developed to predict the effect of missense changes on protein structure and function output the following: SIFT: "Tolerated"; PolyPhen-2: "Benign"; Align-GVGD: "Class C0". The valine amino acid residue is found in multiple mammalian species, which suggests that this missense change does not adversely affect protein function. In summary, the available evidence is currently insufficient to determine the role of this variant in disease. Therefore, it has been classified as a Variant of Uncertain Significance.

NM_001364171.2(ODAD1):c.1100C>T (p.Ala367Val)

Gene: ODAD1 (outer dynein arm docking complex subunit 1; minus strand). Cytogenetic location: 19q13.33.
Variant type: single nucleotide variant.
Coding change: c.1100C>T on transcript NM_001364171.2 (MANE Select); coding-DNA position 1100, C replaced by T.
Protein change: p.Ala367Val; replaces alanine 367 with valine.
Molecular consequence: missense variant.
Genome position (GRCh38, 1-based): chr19:48,302,834, G>A on the plus strand (C>T on the coding strand, the complement: ODAD1 is on the minus strand). VCF-style: chr19-48302834-G-A. GRCh37 (hg19) VCF-style: chr19-48806091-G-A.
Other names: c.989C>T, p.Ala330Val (NM_144577.4); short protein forms A330V, A367V.
Identifiers: ClinVar variation 1682876 (VCV001682876.6), dbSNP rs2147315341, ClinGen allele CA406659584.
Genomic context (GRCh38, chr19:48,302,834, plus strand): 5'-ATGCGCTGCTGCAACACCTTCTGCTGCTGCTCCTGCAGCAAATGCTGGTCATCCTTGCTG[G>A]CACGTGCGCTCACCAAAGCCTCCTGCATCTGTGGGGACAGGGCTGAATGCTGGGCCAGAT-3'
Protein context (NP_001351100.1, residues 357-377): EMQEALVSAR[Ala367Val]SKDDQHLLQE